The following is an entry in ClinVar:

NM_006739.4(MCM5):c.663C>G (p.Cys221Trp)

Gene: MCM5 (minichromosome maintenance complex component 5; plus strand). Cytogenetic location: 22q12.3.
Variant type: single nucleotide variant.
Coding change: c.663C>G on transcript NM_006739.4 (MANE Select); coding-DNA position 663, C replaced by G.
Protein change: p.Cys221Trp; replaces cysteine 221 with tryptophan.
Molecular consequence: missense variant.
Genome position (GRCh38, 1-based): chr22:35,408,474, C>G. VCF-style: chr22-35408474-C-G. GRCh37 (hg19) VCF-style: chr22-35804467-C-G.
Other names: short protein forms C221W.
Identifiers: ClinVar variation 4744322 (VCV004744322.1).
Genomic context (GRCh38, chr22:35,408,474, plus strand): 5'-GGCTGGGCGCCCCAAATGCCCATTGGACCCGTACTTCATCATGCCCGACAAATGCAAATG[C>G]GTGGACTTCCAGACCCTGAAGCTGCAGGAGCTGCCTGATGCAGTCCCCCACGGGGAGATG-3'
Protein context (NP_006730.2, residues 211-231): PYFIMPDKCK[Cys221Trp]VDFQTLKLQE

ClinVar aggregate classification (germline): Uncertain significance (1 of 4 stars; one submission).

Submission:

Labcorp Genetics (formerly Invitae), Labcorp
Classification: Uncertain significance. Last evaluated: 2025-04-17. Review status: criteria provided, single submitter. Criteria: Invitae Variant Classification Sherloc (09022015). Collection method: clinical testing. Allele origin: germline.
Comment: This sequence change replaces cysteine, which is neutral and slightly polar, with tryptophan, which is neutral and slightly polar, at codon 221 of the MCM5 protein (p.Cys221Trp). This variant is not present in population databases (gnomAD no frequency). This variant has not been reported in the literature in individuals affected with MCM5-related conditions. Invitae Evidence Modeling of protein sequence and biophysical properties (such as structural, functional, and spatial information, amino acid conservation, physicochemical variation, residue mobility, and thermodynamic stability) indicates that this missense variant is expected to disrupt MCM5 protein function with a positive predictive value of 80%. In summary, the available evidence is currently insufficient to determine the role of this variant in disease. Therefore, it has been classified as a Variant of Uncertain Significance.